The following is an entry in ClinVar:

ClinVar aggregate classification (germline): Uncertain significance (1 of 4 stars; one submission).

Conditions:
Cardiovascular phenotype. Identifiers: MedGen CN230736.

Submission:

Ambry Genetics
Classification: Uncertain significance for Cardiovascular phenotype. Last evaluated: 2025-05-03. Review status: criteria provided, single submitter. Criteria: Ambry Variant Classification Scheme 2023. Collection method: clinical testing. Allele origin: germline.
Comment: The p.P40L variant (also known as c.119C>T), located in coding exon 1 of the TNXB gene, results from a C to T substitution at nucleotide position 119. The proline at codon 40 is replaced by leucine, an amino acid with similar properties. This amino acid position is conserved. In addition, the in silico prediction for this alteration is inconclusive. Based on the available evidence, the clinical significance of this variant remains unclear.

NM_001365276.2(TNXB):c.119C>T (p.Pro40Leu)

Gene: TNXB (tenascin XB; minus strand). Cytogenetic location: 6p21.33.
Variant type: single nucleotide variant.
Coding change: c.119C>T on transcript NM_001365276.2 (MANE Select); coding-DNA position 119, C replaced by T.
Protein change: p.Pro40Leu; replaces proline 40 with leucine.
Molecular consequence: missense variant.
Genome position (GRCh38, 1-based): chr6:32,098,080, G>A on the plus strand (C>T on the coding strand, the complement: TNXB is on the minus strand). VCF-style: chr6-32098080-G-A. GRCh37 (hg19) VCF-style: chr6-32065857-G-A.
Other names: c.119C>T, p.Pro40Leu (NM_001428335.1, NM_019105.8); short protein forms P40L.
Identifiers: ClinVar variation 3972019 (VCV003972019.1).
Genomic context (GRCh38, chr6:32,098,080, plus strand): 5'-TAAAGCTGAGAAGAGGGGCTTCCCACTCCAGCCCCCACTGTGTGGCCCCCTGGCTGGGGA[G>A]GGGGCCGGGGGGCTGGCAGTGTCACATTGGACCGTGAAGAGAAGGGGCCTGCTCTGGCTG-3'
Protein context (NP_001352205.1, residues 30-50): SNVTLPAPRP[Pro40Leu]PQPGGHTVGA